The following is an entry in ClinVar:

NC_000006.11:g.(?_129722349)_(129723652_?)del

Gene: LAMA2 (laminin subunit alpha 2; plus strand). Cytogenetic location: 6q22.33.
Variant type: Deletion.
Identifiers: ClinVar variation 1459101 (VCV001459101.7).

ClinVar aggregate classification (germline): Pathogenic (1 of 4 stars; one submission).

Conditions:
LAMA2-related muscular dystrophy (LAMA2-RD). Also called: Laminin alpha 2-related dystrophy. Identifiers: MedGen C5679788, MONDO:0100228.

Submission:

Labcorp Genetics (formerly Invitae), Labcorp
Classification: Pathogenic for LAMA2-related muscular dystrophy. Last evaluated: 2021-03-23. Review status: criteria provided, single submitter. Criteria: Invitae Variant Classification Sherloc (09022015). Collection method: clinical testing. Allele origin: germline.
Comment: For these reasons, this variant has been classified as Pathogenic. This variant has not been reported in the literature in individuals with LAMA2-related conditions. This variant is a gross deletion of the genomic region encompassing exon(s) 38-39 of the LAMA2 gene. This deletion is out-of-frame, and is expected to create a premature translational stop signal and result in an absent or disrupted protein product. Loss-of-function variants in LAMA2 are known to be pathogenic (PMID: 18700894).

Literature cited by the submitters: PubMed 18700894.